The following is an entry in ClinVar:

ClinVar aggregate classification (germline): Uncertain significance (1 of 4 stars; one submission).

Conditions:
Deficiency of malonyl-CoA decarboxylase. Also called: Malonic aciduria; MCD deficiency. Identifiers: Orphanet 943, MedGen C0342793, MONDO:0009556, OMIM 248360.

Allele frequency attached by ClinVar (database versions not stated): ExAC 0.00002; gnomAD exomes 0.00002.
gnomAD v4.1: 3 of 1,612,870 alleles (0.00019%); highest among the groups gnomAD compares: East Asian, 0.0067%; no homozygotes.

Submission:

Labcorp Genetics (formerly Invitae), Labcorp
Classification: Uncertain significance for Deficiency of malonyl-CoA decarboxylase. Last evaluated: 2021-09-01. Review status: criteria provided, single submitter. Criteria: Invitae Variant Classification Sherloc (09022015). Collection method: clinical testing. Allele origin: germline.
Comment: This sequence change replaces asparagine with aspartic acid at codon 426 of the MLYCD protein (p.Asn426Asp). The asparagine residue is highly conserved and there is a small physicochemical difference between asparagine and aspartic acid. This variant is present in population databases (rs771229830, ExAC 0.02%). This variant has not been reported in the literature in individuals affected with MLYCD-related conditions. Algorithms developed to predict the effect of missense changes on protein structure and function are either unavailable or do not agree on the potential impact of this missense change (SIFT: "Deleterious"; PolyPhen-2: "Probably Damaging"; Align-GVGD: "Class C15"). In summary, the available evidence is currently insufficient to determine the role of this variant in disease. Therefore, it has been classified as a Variant of Uncertain Significance.

NM_012213.3(MLYCD):c.1276A>G (p.Asn426Asp)

Gene: MLYCD (malonyl-CoA decarboxylase; plus strand). Cytogenetic location: 16q23.3.
Variant type: single nucleotide variant.
Coding change: c.1276A>G on transcript NM_012213.3 (MANE Select); coding-DNA position 1276, A replaced by G.
Protein change: p.Asn426Asp; replaces asparagine 426 with aspartic acid.
Molecular consequence: missense variant.
Genome position (GRCh38, 1-based): chr16:83,915,283, A>G. VCF-style: chr16-83915283-A-G. GRCh37 (hg19) VCF-style: chr16-83948888-A-G.
Other names: short protein forms N426D.
Identifiers: ClinVar variation 1003279 (VCV001003279.6), dbSNP rs771229830, ClinGen allele CA8197575.